The following is an entry in ClinVar:

ClinVar aggregate classification (germline): Likely benign (1 of 4 stars; one submission).

Conditions:
LAMA3-related disorder. Also called: LAMA3-related disorders; LAMA3-related condition.

gnomAD v4.1: 2 of 1,614,028 alleles (0.00012%); highest among the groups gnomAD compares: Admixed American, 0.0017%; no homozygotes.

Submission:

PreventionGenetics, part of Exact Sciences
Classification: Likely benign for LAMA3-related condition. Last evaluated: 2025-04-01. Review status: criteria provided, single submitter. Criteria: ACMG Guidelines, 2015. Collection method: clinical testing. Allele origin: germline.
Comment: This variant is classified as likely benign based on ACMG/AMP sequence variant interpretation guidelines (Richards et al. 2015 PMID: 25741868, with internal and published modifications).

NM_198129.4(LAMA3):c.801G>A (p.Thr267=)

Gene: LAMA3 (laminin subunit alpha 3; plus strand). Cytogenetic location: 18q11.2.
Variant type: single nucleotide variant.
Coding change: c.801G>A on transcript NM_198129.4 (MANE Select); coding-DNA position 801, G replaced by A.
Protein change: p.Thr267=; no amino-acid change (threonine 267 retained).
Molecular consequence: synonymous variant. On other transcripts: non-coding transcript variant (1).
Genome position (GRCh38, 1-based): chr18:23,751,034, G>A. VCF-style: chr18-23751034-G-A. GRCh37 (hg19) VCF-style: chr18-21330998-G-A.
Other names: c.801G>A, p.Thr267= (NM_001127717.4, NM_001302996.2).
Identifiers: ClinVar variation 4987420 (VCV004987420.1).